The following is an entry in ClinVar:

ClinVar aggregate classification (germline): Likely benign. Review status: criteria provided, multiple submitters, no conflicts (2 of 4 stars). 2 submissions from 2 submitters: Likely benign (2). Last evaluated 2025-09-12.

Conditions:
Periodic fever-infantile enterocolitis-autoinflammatory syndrome. Also called: Autoinflammation with infantile enterocolitis. Identifiers: Orphanet 436166, MedGen C4015067, MONDO:0014472, OMIM 616050.
Familial cold autoinflammatory syndrome 4 (FCAS4). Identifiers: Orphanet 47045, Orphanet 576349, MedGen C4015276, MONDO:0014498, OMIM 616115.

Allele frequency attached by ClinVar (database versions not stated): gnomAD exomes 0.00004 and 0.00001; ExAC 0.00005; ESP Exome Variant Server 0.00015; TOPMed 0.00015; gnomAD 0.00017.
gnomAD v4.1: 35 of 1,614,148 alleles (0.0022%); highest among the groups gnomAD compares: African/African-American, 0.041%; no homozygotes.

Submissions (2):

Women's Health and Genetics/Laboratory Corporation of America, LabCorp
Classification: Likely benign. Last evaluated: 2025-09-12. Review status: criteria provided, single submitter. Criteria: LabCorp Variant Classification Summary - May 2015. Collection method: clinical testing. Allele origin: germline.
Comment: Variant summary: NLRC4 c.90G>A (p.Trp30X) results in a premature termination codon, predicted to cause a truncation of the encoded protein or absence of the protein due to nonsense mediated decay, however current evidence is not sufficient to establish loss of function as a mechanism for disease. The variant allele was found at a frequency of 4.4e-05 in 251468 control chromosomes. The observed variant frequency exceeds the estimated maximal expected allele frequency for disease-causing variants in NLRC4. To our knowledge, no occurrence of c.90G>A in individuals affected with NLRC4-related conditions and no experimental evidence demonstrating its impact on protein function have been reported. ClinVar contains an entry for this variant (Variation ID: 542043). Based on the evidence outlined above, the variant was classified as likely benign.

Labcorp Genetics (formerly Invitae), Labcorp
Classification: Likely benign for Periodic fever-infantile enterocolitis-autoinflammatory syndrome; Familial cold autoinflammatory syndrome 4. Last evaluated: 2025-07-02. Review status: criteria provided, single submitter. Criteria: Invitae Variant Classification Sherloc (09022015). Collection method: clinical testing. Allele origin: germline.

NM_001199138.2(NLRC4):c.90G>A (p.Trp30Ter)

Gene: NLRC4 (NLR family CARD domain containing 4; minus strand). Cytogenetic location: 2p22.3.
Variant type: single nucleotide variant.
Coding change: c.90G>A on transcript NM_001199138.2 (MANE Select); coding-DNA position 90, G replaced by A.
Protein change: p.Trp30Ter; replaces tryptophan 30 with a stop codon.
Molecular consequence: nonsense.
Genome position (GRCh38, 1-based): chr2:32,252,591, C>T on the plus strand (G>A on the coding strand, the complement: NLRC4 is on the minus strand). VCF-style: chr2-32252591-C-T. GRCh37 (hg19) VCF-style: chr2-32477660-C-T.
Other names: c.90G>A, p.Trp30Ter (NM_001199139.2, NM_001302504.2, NM_021209.5); short protein forms W30*.
Identifiers: ClinVar variation 542043 (VCV000542043.13), dbSNP rs148696946, ClinGen allele CA1602223.